The following is an entry in ClinVar:

ClinVar aggregate classification (germline): Benign. Review status: criteria provided, multiple submitters, no conflicts (2 of 4 stars). 2 submissions from 2 submitters: Benign (2). Last evaluated 2018-01-13.

Conditions:
Arterial tortuosity syndrome (ATORS). Identifiers: Orphanet 3342, MedGen C1859726, MONDO:0008818, OMIM 208050.

Allele frequency attached by ClinVar (database versions not stated): gnomAD 0.40292 and 0.40614; TOPMed 0.40325; 1000 Genomes Project 30x 0.41864; 1000 Genomes Project 0.42332.

Submissions (2):

Illumina Laboratory Services, Illumina
Classification: Benign for Arterial tortuosity syndrome. Last evaluated: 2018-01-13. Review status: criteria provided, single submitter. Criteria: ICSL Variant Classification Criteria 13 December 2019. Collection method: clinical testing. Allele origin: germline.
Comment: This variant was observed in the ICSL laboratory as part of a predisposition screen in an ostensibly healthy population. It had not been previously curated by ICSL or reported in the Human Gene Mutation Database (HGMD: prior to June 1st, 2018), and was therefore a candidate for classification through an automated scoring system. Utilizing variant allele frequency, disease prevalence and penetrance estimates, and inheritance mode, an automated score was calculated to assess if this variant is too frequent to cause the disease. Based on the score and internal cut-off values, a variant classified as benign is not then subjected to further curation. The score for this variant resulted in a classification of benign for this disease.

Breakthrough Genomics
Classification: Benign. Review status: criteria provided, single submitter. Criteria: ACMG Guidelines, 2015. Collection method: not provided. Allele origin: germline. Inheritance: Autosomal recessive inheritance. Affected: yes.

NM_030777.4(SLC2A10):c.*2176T>C

Gene: SLC2A10 (solute carrier family 2 member 10; plus strand). Cytogenetic location: 20q13.12.
Variant type: single nucleotide variant.
Coding change: c.*2176T>C on transcript NM_030777.4 (MANE Select); 2176 bases downstream of the stop codon, T replaced by C.
Molecular consequence: 3 prime UTR variant.
Genome position (GRCh38, 1-based): chr20:46,736,010, T>C. VCF-style: chr20-46736010-T-C. GRCh37 (hg19) VCF-style: chr20-45364649-T-C.
Identifiers: ClinVar variation 338631 (VCV000338631.6), dbSNP rs1059217, ClinGen allele CA10652587.